The following is an entry in ClinVar:

ClinVar aggregate classification (germline): Benign. Review status: criteria provided, multiple submitters, no conflicts (2 of 4 stars). 9 submissions from 8 submitters: Benign (7). 2 of the submissions do not count toward it. Last evaluated 2026-02-04.

Conditions:
Inborn genetic diseases. Identifiers: MedGen C0950123, MeSH D030342.
Ocular cystinosis. Also called: Non-Nephropathic Cystinosis; Non-Nephropathic (Ocular) Cystinosis. Identifiers: Orphanet 213, Orphanet 411641, MedGen C2931013, MONDO:0009064, OMIM 219750.
Juvenile nephropathic cystinosis. Also called: Intermediate Cystinosis; Later-Onset (Juvenile) Cystinosis; CYSTINOSIS, LATE-ONSET JUVENILE OR ADOLESCENT NEPHROPATHIC TYPE. Identifiers: Orphanet 213, Orphanet 411634, MedGen C0268626, MONDO:0009066, OMIM 219900.
Nephropathic cystinosis (CTNS). Also called: CYSTINOSIN, DEFECT OF; LYSOSOMAL CYSTINE TRANSPORT PROTEIN, DEFECT OF; Abderhalden Lignac Kaufmann disease; Abderhalden-Kaufmann-Lignac syndrome. Identifiers: Orphanet 213, Orphanet 411629, MedGen C2931187, MONDO:0100151, OMIM 219800.
Cystinosis. Also called: Cystine diathesis; Cystine storage disease; Cystinoses. Identifiers: Orphanet 213, MedGen C4316899, MONDO:0016239.

Allele frequency attached by ClinVar (database versions not stated): gnomAD 0.05038 and 0.05257; 1000 Genomes Project 0.06989; TOPMed 0.07021; ESP Exome Variant Server 0.07147; 1000 Genomes Project 30x 0.07230.
gnomAD v4.1: 17,875 of 1,587,498 alleles (1.1%); highest among the groups gnomAD compares: African/African-American, 21%; 1,608 homozygotes.

Submissions (9):

Labcorp Genetics (formerly Invitae), Labcorp
Classification: Benign for Inborn genetic diseases; Ocular cystinosis; Juvenile nephropathic cystinosis. Last evaluated: 2026-02-04. Review status: criteria provided, single submitter. Criteria: Invitae Variant Classification Sherloc (09022015). Collection method: clinical testing. Allele origin: germline.

GeneDx
Classification: Benign. Last evaluated: 2018-06-13. Review status: criteria provided, single submitter. Criteria: GeneDx Variant Classification (06012015). Collection method: clinical testing. Allele origin: germline. Affected: yes.
Comment: This variant is considered likely benign or benign based on one or more of the following criteria: it is a conservative change, it occurs at a poorly conserved position in the protein, it is predicted to be benign by multiple in silico algorithms, and/or has population frequency not consistent with disease.

Illumina Laboratory Services, Illumina
Classification: Benign for Ocular cystinosis. Last evaluated: 2018-01-13. Review status: criteria provided, single submitter. Criteria: ICSL Variant Classification Criteria 13 December 2019. Collection method: clinical testing. Allele origin: germline.
Comment: This variant was observed in the ICSL laboratory as part of a predisposition screen in an ostensibly healthy population. It had not been previously curated by ICSL or reported in the Human Gene Mutation Database (HGMD: prior to June 1st, 2018), and was therefore a candidate for classification through an automated scoring system. Utilizing variant allele frequency, disease prevalence and penetrance estimates, and inheritance mode, an automated score was calculated to assess if this variant is too frequent to cause the disease. Based on the score and internal cut-off values, a variant classified as benign is not then subjected to further curation. The score for this variant resulted in a classification of benign for this disease.

Illumina Laboratory Services, Illumina
Classification: Benign for Nephropathic cystinosis. Last evaluated: 2018-01-13. Review status: criteria provided, single submitter. Criteria: ICSL Variant Classification Criteria 13 December 2019. Collection method: clinical testing. Allele origin: germline.
Comment: the same text as in the submission from Illumina Laboratory Services, Illumina above.

Women's Health and Genetics/Laboratory Corporation of America, LabCorp
Classification: Benign. Last evaluated: 2017-01-16. Review status: criteria provided, single submitter. Criteria: LabCorp Variant Classification Summary - May 2015. Collection method: clinical testing. Allele origin: germline.
Comment: Variant summary: The CTNS c.462T>C (p.Ser154Ser) variant involves the alteration of the first nucleotide (non-conserved) in exon 8, resulting in a synonymous change. Mutation Taster predicts a polymorphism outcome for this variant. 5/5 splice prediction tools predict no significant impact on normal splicing. This variant was found in 2595/81038 control chromosomes (including 211 homozygotes) at a frequency of 0.032022, which is approximately 13 times the estimated maximal expected allele frequency of a pathogenic CTNS variant (0.0025), thus it is a benign polymorphism. The variant is more common in African subpopulation with an allele frequency of 0.2601 (2065/7938 chromosomes). In addition, multiple clinical diagnostic laboratories have classified this variant as likely benign/benign. Taken together, this variant is classified as Benign.

Breakthrough Genomics
Classification: Benign. Review status: criteria provided, single submitter. Criteria: ACMG Guidelines, 2015. Collection method: not provided. Allele origin: germline. Inheritance: Autosomal recessive inheritance. Affected: yes.

PreventionGenetics, part of Exact Sciences
Classification: Benign. Review status: criteria provided, single submitter. Criteria: ACMG Guidelines, 2015. Collection method: clinical testing. Allele origin: germline.

Natera, Inc.
Classification: Benign for Cystinosis. Last evaluated: 2020-09-16. Review status: no assertion criteria provided. Collection method: clinical testing. Allele origin: germline. Not counted in ClinVar's aggregate classification.

Mayo Clinic Laboratories, Mayo Clinic
Classification: Benign. Last evaluated: 2017-09-21. Review status: no assertion criteria provided. Collection method: clinical testing. Allele origin: unknown. Not counted in ClinVar's aggregate classification.

NM_004937.3(CTNS):c.462T>C (p.Ser154=)

Genes: CTNS-AS1 (CTNS antisense RNA 1; minus strand), CTNS (cystinosin, lysosomal cystine transporter; plus strand). Cytogenetic location: 17p13.2.
Variant type: single nucleotide variant.
Coding change: c.462T>C on transcript NM_004937.3 (MANE Select); coding-DNA position 462, T replaced by C.
Protein change: p.Ser154=; no amino-acid change (serine 154 retained).
Molecular consequence: synonymous variant.
Genome position (GRCh38, 1-based): chr17:3,656,487, T>C. VCF-style: chr17-3656487-T-C. GRCh37 (hg19) VCF-style: chr17-3559781-T-C.
Other names: c.462T>C, p.Ser154= (NM_001031681.3, NM_001374492.1); c.21T>C, p.Ser7= (NM_001374493.1, NM_001374494.1, NM_001374495.1 and 1 more transcripts).
Identifiers: ClinVar variation 257153 (VCV000257153.22), dbSNP rs77453839, ClinGen allele CA8291751.